The following is an entry in ClinVar:

NM_153676.4(USH1C):c.527C>T (p.Pro176Leu)

Gene: USH1C (USH1 protein network component harmonin; minus strand). Cytogenetic location: 11p15.1.
Variant type: single nucleotide variant.
Coding change: c.527C>T on transcript NM_153676.4 (MANE Select); coding-DNA position 527, C replaced by T.
Protein change: p.Pro176Leu; replaces proline 176 with leucine.
Molecular consequence: missense variant. On other transcripts: non-coding transcript variant (1).
Genome position (GRCh38, 1-based): chr11:17,526,805, G>A on the plus strand (C>T on the coding strand, the complement: USH1C is on the minus strand). VCF-style: chr11-17526805-G-A. GRCh37 (hg19) VCF-style: chr11-17548352-G-A.
Other names: c.527C>T, p.Pro176Leu (NM_001297764.2, NM_005709.4); short protein forms P176L.
Identifiers: ClinVar variation 1343611 (VCV001343611.9), dbSNP rs1461558857, ClinGen allele CA379794563.
Genomic context (GRCh38, chr11:17,526,805, plus strand): 5'-GCCCTTACCCCAGATTCCGACACAAACTGATCCACATACTGCCAAGTGAGGGGCTCATCA[G>A]GAGAGCTGATGGGAAGGGAAAATAGATGGGAGGGTGGTTAGCGAGAGACGTTTGAGGAAC-3'
Protein context (NP_710142.1, residues 166-186): HIGLIPVKSS[Pro176Leu]DEPLTWQYVD

ClinVar aggregate classification (germline): Uncertain significance. Review status: criteria provided, multiple submitters, no conflicts (2 of 4 stars). 4 submissions from 4 submitters: Uncertain significance (4). Last evaluated 2025-10-20.

Conditions:
Inborn genetic diseases. Identifiers: MedGen C0950123, MeSH D030342.

Allele frequency attached by ClinVar (database versions not stated): gnomAD exomes below 0.00001 and 0.00001; gnomAD 0.00001.
gnomAD v4.1: 6 of 1,614,122 alleles (0.00037%); highest among the groups gnomAD compares: Middle Eastern, 0.049%; no homozygotes.

Submissions (4):

Labcorp Genetics (formerly Invitae), Labcorp
Classification: Uncertain significance. Last evaluated: 2025-10-20. Review status: criteria provided, single submitter. Criteria: Invitae Variant Classification Sherloc (09022015). Collection method: clinical testing. Allele origin: germline.
Comment: This sequence change replaces proline, which is neutral and non-polar, with leucine, which is neutral and non-polar, at codon 176 of the USH1C protein (p.Pro176Leu). This variant is present in population databases (no rsID available, gnomAD 0.003%). This variant has not been reported in the literature in individuals affected with USH1C-related conditions. ClinVar contains an entry for this variant (Variation ID: 1343611). An algorithm developed to predict the effect of missense changes on protein structure and function (PolyPhen-2) suggests that this variant is likely to be tolerated. In summary, the available evidence is currently insufficient to determine the role of this variant in disease. Therefore, it has been classified as a Variant of Uncertain Significance.

Women's Health and Genetics/Laboratory Corporation of America, LabCorp
Classification: Uncertain significance. Last evaluated: 2022-02-18. Review status: criteria provided, single submitter. Criteria: LabCorp Variant Classification Summary - May 2015. Collection method: clinical testing. Allele origin: germline.

Ambry Genetics
Classification: Uncertain significance for Inborn genetic diseases. Last evaluated: 2021-09-16. Review status: criteria provided, single submitter. Criteria: Ambry Variant Classification Scheme 2023. Collection method: clinical testing. Allele origin: germline.

Blueprint Genetics
Classification: Uncertain significance. Last evaluated: 2020-06-24. Review status: criteria provided, single submitter. Criteria: ACMG Guidelines, 2015. Collection method: clinical testing. Allele origin: germline.